The following is an entry in ClinVar:

ClinVar aggregate classification (germline): Uncertain significance (1 of 4 stars; one submission).

Conditions:
Autosomal recessive limb-girdle muscular dystrophy type R18 (LGMDR18). Also called: Autosomal recessive limb-girdle muscular dystrophy type 2S; MUSCULAR DYSTROPHY, LIMB-GIRDLE, AUTOSOMAL RECESSIVE 18; Limb-girdle muscular dystrophy, type 2S. Identifiers: Orphanet 369840, MedGen C4517996, MONDO:0014144, OMIM 615356.

Submission:

Labcorp Genetics (formerly Invitae), Labcorp
Classification: Uncertain significance for Autosomal recessive limb-girdle muscular dystrophy type R18. Last evaluated: 2020-02-14. Review status: criteria provided, single submitter. Criteria: Invitae Variant Classification Sherloc (09022015). Collection method: clinical testing. Allele origin: germline.
Comment: In summary, the available evidence is currently insufficient to determine the role of this variant in disease. Therefore, it has been classified as a Variant of Uncertain Significance. Algorithms developed to predict the effect of missense changes on protein structure and function (SIFT, PolyPhen-2, Align-GVGD) all suggest that this variant is likely to be tolerated, but these predictions have not been confirmed by published functional studies and their clinical significance is uncertain. This variant has not been reported in the literature in individuals with TRAPPC11-related conditions. This variant is not present in population databases (ExAC no frequency). This sequence change replaces aspartic acid with asparagine at codon 529 of the TRAPPC11 protein (p.Asp529Asn). The aspartic acid residue is moderately conserved and there is a small physicochemical difference between aspartic acid and asparagine.

NM_021942.6(TRAPPC11):c.1585G>A (p.Asp529Asn)

Gene: TRAPPC11 (trafficking protein particle complex subunit 11; plus strand). Cytogenetic location: 4q35.1.
Variant type: single nucleotide variant.
Coding change: c.1585G>A on transcript NM_021942.6 (MANE Select); coding-DNA position 1585, G replaced by A.
Protein change: p.Asp529Asn; replaces aspartic acid 529 with asparagine.
Molecular consequence: missense variant.
Genome position (GRCh38, 1-based): chr4:183,685,101, G>A. VCF-style: chr4-183685101-G-A. GRCh37 (hg19) VCF-style: chr4-184606254-G-A.
Other names: c.1585G>A, p.Asp529Asn (NM_199053.3); short protein forms D529N.
Identifiers: ClinVar variation 1010174 (VCV001010174.9), dbSNP rs1735897918, ClinGen allele CA358867830.